The following is an entry in ClinVar:

ClinVar aggregate classification (germline): Pathogenic/Likely pathogenic. Review status: criteria provided, multiple submitters, no conflicts (2 of 4 stars). 16 submissions from 16 submitters: Pathogenic (13); Likely pathogenic (1). 2 of the submissions do not count toward it. Last evaluated 2025-07-16.

Conditions:
IFIH1-related disorder. Also called: IFIH1-related condition.
Immunodeficiency 95 (IMD95). Identifiers: MedGen C5676929, MONDO:0030692, OMIM 619773.
Aicardi-Goutieres syndrome 7 (AGS7). Identifiers: Orphanet 51, MedGen C3888244, MONDO:0014367, OMIM 615846.
Singleton-Merten syndrome 1 (SGMRT1). Also called: Widened medullary cavities of bone, aortic calcification, abnormal dentition, and muscular weakness; Syndrome of widened medullary cavities of the metacarpals and phalanges, aortic calcification and abnormal dentition. Identifiers: Orphanet 85191, MedGen C4225427, MONDO:0024535, OMIM 182250.
Developmental regression. Also called: C1836830. Identifiers: MedGen C1836830, HP:0002376.
Abnormal cerebral white matter morphology. Also called: Abnormality of the cerebral white matter. Identifiers: MedGen C0948163, HP:0002500.
Hyperreflexia (HRX). Identifiers: MedGen C0151889, MONDO:0007774, OMIM 145290, HP:0001347.
Neonatal hypotonia. Identifiers: MedGen C2267233, HP:0001319.
Abnormal upper motor neuron morphology. Identifiers: MedGen C4025723, HP:0002127.
Abnormal basal ganglia morphology. Also called: Abnormality of the basal ganglia. Identifiers: MedGen C4520981, MONDO:0003996, HP:0002134.
Clonus. Identifiers: MedGen C0009024, HP:0002169.

Allele frequency attached by ClinVar (database versions not stated): gnomAD exomes below 0.00001.
gnomAD v4.1: 2 of 1,607,316 alleles (0.00012%); highest among the groups gnomAD compares: Non-Finnish European, 0.00017%; no homozygotes.

Submissions (16):

Labcorp Genetics (formerly Invitae), Labcorp
Classification: Pathogenic for Aicardi-Goutieres syndrome 7; Singleton-Merten syndrome 1. Last evaluated: 2025-07-16. Review status: criteria provided, single submitter. Criteria: Invitae Variant Classification Sherloc (09022015). Collection method: clinical testing. Allele origin: germline.
Comment: This sequence change replaces arginine, which is basic and polar, with histidine, which is basic and polar, at codon 779 of the IFIH1 protein (p.Arg779His). This variant is present in population databases (no rsID available, gnomAD 0.0009%). This missense change has been observed in individual(s) with Aicardi Goutieres syndrome (PMID: 31898846). In at least one individual the variant was observed to be de novo. ClinVar contains an entry for this variant (Variation ID: 137622). Invitae Evidence Modeling of protein sequence and biophysical properties (such as structural, functional, and spatial information, amino acid conservation, physicochemical variation, residue mobility, and thermodynamic stability) indicates that this missense variant is expected to disrupt IFIH1 protein function with a positive predictive value of 95%. This variant disrupts the p.Arg779 amino acid residue in IFIH1. Other variant(s) that disrupt this residue have been determined to be pathogenic (PMID: 24686847, 26833990, 31898846). This suggests that this residue is clinically significant, and that variants that disrupt this residue are likely to be disease-causing. For these reasons, this variant has been classified as Pathogenic.

GeneDx
Classification: Pathogenic. Last evaluated: 2025-06-06. Review status: criteria provided, single submitter. Criteria: GeneDx Variant Classification Process June 2021. Collection method: clinical testing. Allele origin: germline. Affected: yes.
Comment: Published functional studies demonstrate a damaging effect (gain of function that increases interferon signaling) (PMID: 24686847); Not observed at significant frequency in large population cohorts (gnomAD); In silico analysis supports that this missense variant has a deleterious effect on protein structure/function; This variant is associated with the following publications: (PMID: 29158550, 28553952, 24995871, 34189822, 31130681, 25777993, 27658362, 28475458, 29132962, 31623504, 31898846, 32042913, 32508843, 33307271, 33683010, 37273706, 36964972, 36403551, 33057194, 37126154, 37267771, 35982159, 27943079, 35551623, 38693247, 39347527, 38976295, 38077314, 26833990, 24686847)

Genomic Medicine Center of Excellence, King Faisal Specialist Hospital and Research Centre
Classification: Pathogenic for Immunodeficiency 95. Last evaluated: 2024-03-25. Review status: criteria provided, single submitter. Criteria: ACMG Guidelines, 2015. Collection method: clinical testing. Allele origin: germline.

Illumina Laboratory Services, Illumina
Classification: Pathogenic for Immunodeficiency 95. Last evaluated: 2024-01-25. Review status: criteria provided, single submitter. Criteria: ICSLVariantClassificationCriteria RUGD 01 April 2020. Collection method: clinical testing. Allele origin: unknown.
Comment: The IFIH1 c.2336G>A p.(Arg779His) missense variant has been identified in a de novo state in several individuals with IFIH1-related interferonopathy (PMID: 31898846). Two additional variants impacting the same amino acid codon and both classified as pathogenic, p.(Arg779Cys) and p.(Arg779Leu), have been reported in individuals with a phenotype consistent with IFIH1-related interferonopathy (PMID: 31898846) . This variant is located in the helicase domain near the ATP binding site (PMID: 31898846). This variant is not observed at a significant frequency in version 2.1.1 or version 4.0.0 of the Genome Aggregation Database. A functional study conducted in human cell lines demonstrated that this variant caused upregulation of type I interferon signaling compared to wild type (PMID: 24686847). Based on the available evidence, the c.2336G>A p.(Arg779His) variant is classified as pathogenic for IFIH1-related interferonopathy.

Mendelics
Classification: Pathogenic for Singleton-Merten syndrome 1. Last evaluated: 2022-05-04. Review status: criteria provided, single submitter. Criteria: Mendelics Assertion Criteria 2019. Collection method: clinical testing. Allele origin: germline.

Blueprint Genetics
Classification: Pathogenic for IFIH1-related disorders. Last evaluated: 2022-03-07. Review status: criteria provided, single submitter. Criteria: ACMG Guidelines, 2015. Collection method: clinical testing. Allele origin: germline. Affected: yes. Observed: 2 variant alleles.

Institute for Clinical Genetics, University Hospital TU Dresden, University Hospital TU Dresden
Classification: Pathogenic. Last evaluated: 2021-11-03. Review status: criteria provided, single submitter. Criteria: ACMG Guidelines, 2015. Collection method: clinical testing. Allele origin: germline.

3billion
Classification: Pathogenic for Aicardi-Goutieres syndrome 7. Last evaluated: 2021-10-02. Review status: criteria provided, single submitter. Criteria: ACMG Guidelines, 2015. Collection method: clinical testing. Allele origin: germline. Affected: yes. Observed: 1 heterozygote.
Comment: Same nucleotide change resulting in same amino acid change has been previously reported multiole times as de novoo in similarly affected unrelated individuals (PMID:31898846, PS2, PS). It is observed at an extremely low frequency in the gnomAD v2.1.1 dataset (total allele frequency: 0.000004, PM2). A different missense change at the same codon (p.Arg779Cys, p.Arg779Leu) has been reported as pathogenic (ClinVar ID: VCV000812532.2, PMID: 31898846, PM5). The variant was observed as assumed (i.e. paternity and maternity not confirmed) de novoo (3billion dataset, PM6). In silico tool predictions suggest damaging effect of the variant on gene or gene product (REVEL: 0.843, 3Cnet: 0.995, PP3). Therefore, this variant is classified as pathogenic according to the recommendation of ACMG/AMP guideline.

Institute of Medical Genetics and Applied Genomics, University Hospital Tübingen
Classification: Pathogenic. Last evaluated: 2020-10-23. Review status: criteria provided, single submitter. Criteria: ACMG Guidelines, 2015. Collection method: clinical testing. Allele origin: germline. Inheritance: Autosomal dominant inheritance. Affected: yes.

CeGaT Center for Human Genetics Tuebingen
Classification: Pathogenic. Last evaluated: 2020-01-01. Review status: criteria provided, single submitter. Criteria: CeGaT Center For Human Genetics Tuebingen Variant Classification Criteria Version 2. Collection method: clinical testing. Allele origin: germline. Affected: yes. Observed: 2 variant alleles.

Fulgent Genetics
Classification: Pathogenic for Singleton-Merten syndrome 1; Aicardi-Goutieres syndrome 7. Last evaluated: 2018-10-31. Review status: criteria provided, single submitter. Criteria: ACMG Guidelines, 2015. Collection method: clinical testing. Allele origin: unknown.

Institute of Human Genetics, FAU Erlangen, Friedrich-Alexander-Universität Erlangen-Nürnberg
Classification: Pathogenic for Aicardi-Goutieres syndrome 7. Last evaluated: 2017-08-01. Review status: criteria provided, single submitter. Criteria: ACMG Guidelines, 2015. Collection method: clinical testing. Allele origin: maternal. Inheritance: Autosomal dominant inheritance. Affected: yes. Observed: 1 variant allele, 1 heterozygote.

Centre for Mendelian Genomics, University Medical Centre Ljubljana
Classification: Likely pathogenic for Abnormal basal ganglia morphology; Abnormal cerebral white matter morphology; Clonus; Developmental regression; Hyperreflexia; Neonatal hypotonia; Abnormal upper motor neuron morphology. Last evaluated: 2017-01-01. Review status: criteria provided, single submitter. Criteria: ACMG Guidelines, 2015. Collection method: clinical testing. Allele origin: unknown. Affected: yes.

Broad Center for Mendelian Genomics, Broad Institute of MIT and Harvard
Classification: Pathogenic for Aicardi-Goutieres syndrome 7. Review status: criteria provided, single submitter. Criteria: ACMG Guidelines, 2015. Collection method: research. Allele origin: germline. Inheritance: Autosomal dominant inheritance. Affected: yes. Observed: 1 variant allele, 1 heterozygote. Study: Broad Institute Center for Mendelian Genomics (CMG).
Comment: Trio analysis showed this variant to be de novo. The p.Arg779His variant is believed to be pathogenic based on numberous reports by other laboratories in the literature and databases.

PreventionGenetics, part of Exact Sciences
Classification: Pathogenic for IFIH1-related condition. Last evaluated: 2024-09-01. Review status: no assertion criteria provided. Collection method: clinical testing. Allele origin: germline. Not counted in ClinVar's aggregate classification.
Comment: The IFIH1 c.2336G>A variant is predicted to result in the amino acid substitution p.Arg779His. This variant has been reported to occur de novo in at least three individuals with autosomal dominant Aicardi-Goutieres syndrome 7 (Rice et al. 2014. PubMed ID: 24686847; Oda et al. 2014. PubMed ID: 24995871; Van Eyck et al. 2015. PubMed ID: 25777993). In another family, the variant in the affected proband was inherited from a clinically asymptomatic father and grandmother (Family 259, Rice et al. 2014. PubMed ID: 24686847), indicating variable penetrance. Functional in vitro studies suggest that the p.Arg779His variant results in increased binding to RNA in comparison to the wild-type IFIH1 protein (Rice et al. 2014. PubMed ID: 24686847). In addition, a different amino acid change at this same position has also been reported in Aicardi-Goutieres patients (p.Arg779Cys; Rice GI. et al. 2014. PMID: 24686847). This variant is reported in 0.00088% of alleles in individuals of European (Non-Finnish) descent in gnomAD. This variant is interpreted as pathogenic.

OMIM
Classification: Pathogenic for AICARDI-GOUTIERES SYNDROME 7. Last evaluated: 2014-07-03. Review status: no assertion criteria provided. Collection method: literature only. Allele origin: germline. Not counted in ClinVar's aggregate classification.

Literature cited by the submitters: PubMed 31898846 (cited by 3 submitters); PubMed 24686847 (cited by 3 submitters); PubMed 26833990 (cited by Labcorp Genetics (formerly Invitae), Labcorp); PubMed 24995871 (cited by OMIM).

NM_022168.4(IFIH1):c.2336G>A (p.Arg779His)

Gene: IFIH1 (interferon induced with helicase C domain 1; minus strand). Cytogenetic location: 2q24.2.
Variant type: single nucleotide variant.
Coding change: c.2336G>A on transcript NM_022168.4 (MANE Select); coding-DNA position 2336, G replaced by A.
Protein change: p.Arg779His; replaces arginine 779 with histidine.
Molecular consequence: missense variant.
Genome position (GRCh38, 1-based): chr2:162,273,913, C>T on the plus strand (G>A on the coding strand, the complement: IFIH1 is on the minus strand). VCF-style: chr2-162273913-C-T. GRCh37 (hg19) VCF-style: chr2-163130423-C-T.
Other names: c.2336G>A, p.Arg779His (LRG_1235t1); short protein forms R779H.
Identifiers: ClinVar variation 137622 (VCV000137622.62), dbSNP rs587777446, ClinGen allele CA163190.
Genomic context (GRCh38, chr2:162,273,913, plus strand): 5'-TTAATATCCAGACCTTCTTCTGCCACTGTGGTAGCGATAAGCAGATTTATTTTTCCAGTG[C>T]GAAATTTACTAATGACTTCTTTTTGTTCATTCTGTAGAAACATTTTAATAAATTAAATTT-3'
Protein context (NP_071451.2, residues 769-789): NEQKEVISKF[Arg779His]TGKINLLIAT